The following is an entry in ClinVar:

ClinVar aggregate classification (germline): Likely pathogenic. Review status: criteria provided, multiple submitters, no conflicts (2 of 4 stars). 2 submissions from 2 submitters: Likely pathogenic (2). Last evaluated 2025-06-24.

Conditions:
Glutaric aciduria, type 1. Also called: Glutaric acidemia type I; Glutaricacidemia Type 1; Glutaric Acidemia Type 1; GA I; Glutaricaciduria, type I; Glutaryl-CoA dehydrogenase deficiency. Identifiers: Orphanet 25, MedGen C0268595, MONDO:0009281, OMIM 231670.

Submissions (2):

Natera, Inc.
Classification: Likely pathogenic for Glutaric acidemia type 1. Last evaluated: 2025-06-24. Review status: criteria provided, single submitter. Criteria: Natera Variant Classification Schema (03/2026). Collection method: clinical testing. Allele origin: germline.
Comment: The c.541G>A variant in GCDH is a missense variant predicted to cause substitution of glutamic acid to lysine at amino acid 181. This variant is rare in the general population with a frequency below the threshold expected for the associated phenotype(s). This variant has been observed in one or more individuals affected with the associated recessive disease, as either homozygous or compound heterozygous with a second variant (PMID: 37020324, 10960496). Functional studies show that this variant may disrupt protein function (PMID: 10960496). A different variant at the same position has been determined to be Pathogenic or Likely Pathogenic. Computational prediction algorithms indicate this variant is likely to affect gene or protein function. Given the available evidence, this variant is classified as Likely Pathogenic.

Genetics and Molecular Pathology, SA Pathology
Classification: Likely pathogenic for Glutaric aciduria, type 1. Last evaluated: 2021-10-27. Review status: criteria provided, single submitter. Criteria: ACMG Guidelines, 2015. Collection method: clinical testing. Allele origin: germline. Affected: yes.

Literature cited by the submitters: PubMed 37020324 (cited by Natera, Inc.); PubMed 10960496 (cited by Natera, Inc.).

NM_000159.4(GCDH):c.541G>A (p.Glu181Lys)

Gene: GCDH (glutaryl-CoA dehydrogenase; plus strand). Cytogenetic location: 19p13.13.
Variant type: single nucleotide variant.
Coding change: c.541G>A on transcript NM_000159.4 (MANE Select); coding-DNA position 541, G replaced by A.
Protein change: p.Glu181Lys; replaces glutamic acid 181 with lysine.
Molecular consequence: missense variant. On other transcripts: non-coding transcript variant (2).
Genome position (GRCh38, 1-based): chr19:12,896,027, G>A. VCF-style: chr19-12896027-G-A. GRCh37 (hg19) VCF-style: chr19-13006841-G-A.
Other names: c.541G>A, p.Glu181Lys (NM_013976.5); c.541G>A (NM_000159.3); short protein forms E181K.
Identifiers: ClinVar variation 1698921 (VCV001698921.4), dbSNP rs745852738, ClinGen allele CA404318015.